The following is an entry in ClinVar:

ClinVar aggregate classification (germline): Uncertain significance (1 of 4 stars; one submission).

Conditions:
PRPH2-related disorder. Also called: PRPH2-related condition; PRPH2-related disorders. Identifiers: MedGen CN239395.

Submission:

Labcorp Genetics (formerly Invitae), Labcorp
Classification: Uncertain significance for PRPH2-related disorder. Last evaluated: 2022-08-20. Review status: criteria provided, single submitter. Criteria: Invitae Variant Classification Sherloc (09022015). Collection method: clinical testing. Allele origin: germline.
Comment: This variant has not been reported in the literature in individuals affected with PRPH2-related conditions. In summary, the available evidence is currently insufficient to determine the role of this variant in disease. Therefore, it has been classified as a Variant of Uncertain Significance. A copy number gain of the genomic region encompassing the full coding sequence of the PRPH2 gene has been identified. The boundaries of this event are unknown as they extend beyond the assayed region for this gene and therefore may encompass additional genes. As the precise location of this event is unknown, it may be in tandem or it may be located elsewhere in the genome.

NC_000006.11:g.(?_41126341)_(43737486_?)dup

Genes: TREML4 (triggering receptor expressed on myeloid cells like 4; plus strand), TRERF1 (transcriptional regulating factor 1; minus strand), YIPF3 (Yip1 domain family member 3; minus strand), ZNF318 (zinc finger protein 318; minus strand), TTBK1 (tau tubulin kinase 1; plus strand) and 54 more. Cytogenetic location: 6p21.1.
Variant type: Duplication.
Identifiers: ClinVar variation 2422887 (VCV002422887.5).